The following is an entry in ClinVar:

NM_018685.5(ANLN):c.755G>A (p.Ser252Asn)

Gene: ANLN (anillin, actin binding protein; plus strand). Cytogenetic location: 7p14.2.
Variant type: single nucleotide variant.
Coding change: c.755G>A on transcript NM_018685.5 (MANE Select); coding-DNA position 755, G replaced by A.
Protein change: p.Ser252Asn; replaces serine 252 with asparagine.
Molecular consequence: missense variant.
Genome position (GRCh38, 1-based): chr7:36,406,448, G>A. VCF-style: chr7-36406448-G-A. GRCh37 (hg19) VCF-style: chr7-36446057-G-A.
Other names: c.755G>A, p.Ser252Asn (NM_001284301.3, NM_001284302.3); short protein forms S252N.
Identifiers: ClinVar variation 3127058 (VCV003127058.3), dbSNP rs147088411, ClinGen allele CA4219408.
Genomic context (GRCh38, chr7:36,406,448, plus strand): 5'-CCGCTTGTTTATCCAAATTTTCCTCTGCAAGTGGAGCATCTGCTAGGATCAATAGCAGCA[G>A]TGTTAAGCAGGAAGCTACATTCTGTTCCCAAAGGGATGGCGATGCCTCTTTGAATAAAGC-3'
Protein context (NP_061155.2, residues 242-262): SGASARINSS[Ser252Asn]VKQEATFCSQ

ClinVar aggregate classification (germline): Uncertain significance. Review status: criteria provided, multiple submitters, no conflicts (2 of 4 stars). 2 submissions from 2 submitters: Uncertain significance (2). Last evaluated 2025-12-04.

Allele frequency attached by ClinVar (database versions not stated): gnomAD exomes 0.00001; ExAC 0.00003; gnomAD 0.00005; TOPMed 0.00006; ESP Exome Variant Server 0.00008; 1000 Genomes Project 30x 0.00016; 1000 Genomes Project 0.00020.

Submissions (2):

Ambry Genetics
Classification: Uncertain significance. Last evaluated: 2025-12-04. Review status: criteria provided, single submitter. Criteria: Ambry Variant Classification Scheme 2023. Collection method: clinical testing. Allele origin: germline.

Labcorp Genetics (formerly Invitae), Labcorp
Classification: Uncertain significance. Last evaluated: 2025-04-28. Review status: criteria provided, single submitter. Criteria: Invitae Variant Classification Sherloc (09022015). Collection method: clinical testing. Allele origin: germline.
Comment: This sequence change replaces serine, which is neutral and polar, with asparagine, which is neutral and polar, at codon 252 of the ANLN protein (p.Ser252Asn). This variant is present in population databases (rs147088411, gnomAD 0.03%). This variant has not been reported in the literature in individuals affected with ANLN-related conditions. ClinVar contains an entry for this variant (Variation ID: 3127058). An algorithm developed to predict the effect of missense changes on protein structure and function (PolyPhen-2) suggests that this variant is likely to be disruptive. In summary, the available evidence is currently insufficient to determine the role of this variant in disease. Therefore, it has been classified as a Variant of Uncertain Significance.